The following is an entry in ClinVar:

NM_000245.4(MET):c.3131_3143del (p.Ser1044fs)

Gene: MET (MET proto-oncogene, receptor tyrosine kinase; plus strand). Cytogenetic location: 7q31.2.
Variant type: Deletion.
Coding change: c.3131_3143del on transcript NM_000245.4 (MANE Select); coding-DNA positions 3131 to 3143, 13 bases deleted (GTCCATTACTGCA).
Protein change: p.Ser1044fs; shifts the reading frame from serine 1044.
Molecular consequence: frameshift variant.
Genome position (GRCh38, 1-based): chr7:116,774,983-116,774,995, GTCCATTACTGCA deleted; deleting any 13 consecutive bases within chr7:116,774,981-116,774,995 gives the same sequence; the c. name uses the placement nearest the transcript's 3' end. VCF-style (leftmost placement, unchanged base first): chr7-116774980-CCAGTCCATTACTG-C. GRCh37 (hg19) VCF-style: chr7-116415034-CCAGTCCATTACTG-C.
Other names: c.3185_3197del, p.Ser1062fs (NM_001127500.3); c.1841_1853del, p.Ser614fs (NM_001324402.2); short protein forms S1044fs, S1062fs, S614fs.
Identifiers: ClinVar variation 2168559 (VCV002168559.4), dbSNP rs2485806491, ClinGen allele CA2580076238.
Genomic context (GRCh38, chr7:116,774,980, plus strand): 5'-AAGTGCAGTATCCTCTGACAGACATGTCCCCCATCCTAACTAGTGGGGACTCTGATATAT[CCAGTCCATTACTG>C]CAAAATACTGTCCACATTGACCTCAGTGCTCTAAATCCAGAGCTGGTCCAGGCAGTGCAG-3'

ClinVar aggregate classification (germline): Uncertain significance (1 of 4 stars; one submission).

Conditions:
Renal cell carcinoma. Identifiers: Orphanet 217071, MedGen C0007134, MeSH D002292, MONDO:0005086, HP:0005584.

Submission:

Labcorp Genetics (formerly Invitae), Labcorp
Classification: Uncertain significance for Renal cell carcinoma. Last evaluated: 2026-01-30. Review status: criteria provided, single submitter. Criteria: Invitae Variant Classification Sherloc (09022015). Collection method: clinical testing. Allele origin: germline.
Comment: This sequence change creates a premature translational stop signal (p.Ser1062Lysfs*11) in the MET gene. It is expected to result in an absent or disrupted protein product. However, the current clinical and genetic evidence is not sufficient to establish whether loss-of-function variants in MET cause disease. This variant is not present in population databases (gnomAD no frequency). This variant has not been reported in the literature in individuals affected with MET-related conditions. ClinVar contains an entry for this variant (Variation ID: 2168559). In summary, the available evidence is currently insufficient to determine the role of this variant in disease. Therefore, it has been classified as a Variant of Uncertain Significance.